The following is an entry in ClinVar:

NM_000264.5(PTCH1):c.74_75delinsTT (p.Gly25Val)

Genes: PTCH1 (patched 1; minus strand), LOC130002133 (ATAC-STARR-seq lymphoblastoid silent region 20071; plus strand). Cytogenetic location: 9q22.32.
Variant type: Indel.
Coding change: c.74_75delinsTT on transcript NM_000264.5 (MANE Select); coding-DNA positions 74 to 75, GA replaced by TT.
Protein change: p.Gly25Val; replaces glycine 25 with valine.
Molecular consequence: missense variant. On other transcripts: non-coding transcript variant (1), intron variant (3).
Genome position (GRCh38, 1-based): chr9:95,508,287-95,508,288, TC replaced by AA on the plus strand (GA replaced by TT on the coding strand, the reverse complement: PTCH1 is on the minus strand). VCF-style: chr9-95508287-TC-AA. GRCh37 (hg19) VCF-style: chr9-98270569-TC-AA.
Other names: c.74_75delinsTT, p.Gly25Val (NM_001354918.2); c.199-1689_199-1688delinsTT (NM_001083603.3); c.4-1689_4-1688delinsTT (NM_001083602.3, NM_001354919.2); short protein forms G25V.
Identifiers: ClinVar variation 3231057 (VCV003231057.1), dbSNP rs1843902347, ClinGen allele CA2825001650.

ClinVar aggregate classification (germline): Uncertain significance (1 of 4 stars; one submission).

Conditions:
Hereditary cancer-predisposing syndrome. Also called: Neoplastic Syndromes, Hereditary; Tumor predisposition; Hereditary neoplastic syndrome; Hereditary Cancer Syndrome. Identifiers: Orphanet 140162, MedGen C0027672, MeSH D009386, MONDO:0015356.

Submission:

Ambry Genetics
Classification: Uncertain significance for Hereditary cancer-predisposing syndrome. Last evaluated: 2023-10-19. Review status: criteria provided, single submitter. Criteria: Ambry Variant Classification Scheme 2023. Collection method: clinical testing. Allele origin: germline.
Comment: The c.74_75delGAinsTT variant (also known as p.G25V), located in coding exon 1 of the PTCH1 gene, results from an in-frame deletion of GA and insertion of TT at nucleotide positions 74 to 75. This results in the substitution of the glycine residue for a valine residue at codon 25, an amino acid with dissimilar properties. This amino acid position is not well conserved in available vertebrate species. In addition, this alteration is predicted to be neutral by in silico analysis (Choi Y et al. PLoS ONE. 2012; 7(10):e46688). Since supporting evidence is limited at this time, the clinical significance of this alteration remains unclear.